The following is an entry in ClinVar:

NM_022336.4(EDAR):c.624C>G (p.Phe208Leu)

Genes: EDAR (ectodysplasin A receptor; minus strand), RANBP2 (RAN binding protein 2; plus strand). Cytogenetic location: 2q13.
Variant type: single nucleotide variant.
Coding change: c.624C>G on transcript NM_022336.4 (MANE Select); coding-DNA position 624, C replaced by G.
Protein change: p.Phe208Leu; replaces phenylalanine 208 with leucine.
Molecular consequence: missense variant.
Genome position (GRCh38, 1-based): chr2:108,910,978, G>C on the plus strand (C>G on the coding strand, the complement: EDAR is on the minus strand). VCF-style: chr2-108910978-G-C. GRCh37 (hg19) VCF-style: chr2-109527434-G-C.
Other names: short protein forms F208L.
Identifiers: ClinVar variation 4074578 (VCV004074578.1).

ClinVar aggregate classification (germline): Uncertain significance (1 of 4 stars; one submission).

gnomAD v4.1: 1 of 1,614,168 alleles (0.000062%); highest among the groups gnomAD compares: Non-Finnish European, 0.000085%; no homozygotes.

Submission:

GeneDx
Classification: Uncertain significance. Last evaluated: 2025-02-05. Review status: criteria provided, single submitter. Criteria: GeneDx Variant Classification Process June 2021. Collection method: clinical testing. Allele origin: germline. Affected: yes.
Comment: Has not been previously published as pathogenic or benign to our knowledge; Missense variants in this gene are a common cause of disease and they are underrepresented in the general population; In silico analysis indicates that this missense variant does not alter protein structure/function